The following is an entry in ClinVar:

NM_001272046.2(VWA2):c.274G>A (p.Ala92Thr)

Gene: VWA2 (von Willebrand factor A domain containing 2; plus strand). Cytogenetic location: 10q25.3.
Variant type: single nucleotide variant.
Coding change: c.274G>A on transcript NM_001272046.2 (MANE Select); coding-DNA position 274, G replaced by A.
Protein change: p.Ala92Thr; replaces alanine 92 with threonine.
Molecular consequence: missense variant.
Genome position (GRCh38, 1-based): chr10:114,261,198, G>A. VCF-style: chr10-114261198-G-A. GRCh37 (hg19) VCF-style: chr10-116020957-G-A.
Other names: c.274G>A, p.Ala92Thr (NM_001320804.1); short protein forms A92T.
Identifiers: ClinVar variation 3054387 (VCV003054387.2), dbSNP rs151109686, ClinGen allele CA5700263.

ClinVar aggregate classification (germline): Likely benign (0 of 4 stars; one submission).

Conditions:
VWA2-related disorder. Also called: VWA2-related condition.

Allele frequency attached by ClinVar (database versions not stated): ExAC 0.00012; ESP Exome Variant Server 0.00038; TOPMed 0.00047; gnomAD 0.00051; 1000 Genomes Project 30x 0.00109; 1000 Genomes Project 0.00120.
gnomAD v4.1: 139 of 1,613,500 alleles (0.0086%); highest among the groups gnomAD compares: African/African-American, 0.15%; no homozygotes.

Submission:

PreventionGenetics, part of Exact Sciences
Classification: Likely benign for VWA2-related condition. Last evaluated: 2023-05-22. Review status: no assertion criteria provided. Collection method: clinical testing. Allele origin: germline.
Comment: This variant is classified as likely benign based on ACMG/AMP sequence variant interpretation guidelines (Richards et al. 2015 PMID: 25741868, with internal and published modifications).